The following is an entry in ClinVar:

ClinVar aggregate classification (germline): Uncertain significance. Review status: criteria provided, multiple submitters, no conflicts (2 of 4 stars). 3 submissions from 3 submitters: Uncertain significance (3). Last evaluated 2023-12-18.

Conditions:
Arrhythmogenic cardiomyopathy with wooly hair and keratoderma. Also called: PALMOPLANTAR KERATODERMA WITH LEFT VENTRICULAR CARDIOMYOPATHY AND WOOLLY HAIR; Arrhythmogenic cardiomyopathy with woolly hair and keratoderma; Carvajal syndrome; Dilated cardiomyopathy with woolly hair and keratoderma. Identifiers: Orphanet 65282, MedGen C1854063, MONDO:0011581, OMIM 605676.
Arrhythmogenic right ventricular dysplasia 8 (ARVD8). Also called: Arrhythmogenic Right Ventricular Dysplasia/Cardiomyopathy 8; ARRHYTHMOGENIC RIGHT VENTRICULAR DYSPLASIA, FAMILIAL, 8; ARRHYTHMOGENIC RIGHT VENTRICULAR CARDIOMYOPATHY 8. Identifiers: MedGen C1843896, MONDO:0011831, OMIM 607450.
Cardiomyopathy (CMYO). Also called: Cardiomyopathies. Identifiers: Orphanet 167848, MedGen C0878544, MONDO:0004994, HP:0001638. Inheritance: Various modes of inheritance.

Submissions (3):

All of Us Research Program, National Institutes of Health
Classification: Uncertain significance for Arrhythmogenic cardiomyopathy with wooly hair and keratoderma. Last evaluated: 2023-12-18. Review status: criteria provided, single submitter. Criteria: ACMG Guidelines, 2015. Collection method: clinical testing. Allele origin: germline. Inheritance: Autosomal dominant inheritance. Observed: 1 variant allele, 1 heterozygote.
Comment: This missense variant replaces valine with methionine at codon 2701 of the DSP protein. Computational prediction suggests that this variant may not impact protein structure and function (internally defined REVEL score threshold <= 0.5, PMID: 27666373). To our knowledge, functional studies have not been reported for this variant. This variant has not been reported in individuals affected with DSP-related disorders in the literature. This variant has not been identified in the general population by the Genome Aggregation Database (gnomAD). The available evidence is insufficient to determine the role of this variant in disease conclusively. Therefore, this variant is classified as a Variant of Uncertain Significance.

This study involves interpretation of variants in research participants for the purpose of population health screening. Participant phenotype was not available at the time of variant classification. Additional details can be found in publication PMID: 35346344, PMCID: PMC8962531

Color Diagnostics, LLC DBA Color Health
Classification: Uncertain significance for Cardiomyopathy. Last evaluated: 2023-11-22. Review status: criteria provided, single submitter. Criteria: ACMG Guidelines, 2015. Collection method: clinical testing. Allele origin: germline.
Comment: This missense variant replaces valine with methionine at codon 2701 of the DSP protein. Computational prediction suggests that this variant may not impact protein structure and function. To our knowledge, functional studies have not been reported for this variant. This variant has not been reported in individuals affected with DSP-related disorders in the literature. This variant has not been identified in the general population by the Genome Aggregation Database (gnomAD). The available evidence is insufficient to determine the role of this variant in disease conclusively. Therefore, this variant is classified as a Variant of Uncertain Significance.

Labcorp Genetics (formerly Invitae), Labcorp
Classification: Uncertain significance for Arrhythmogenic cardiomyopathy with wooly hair and keratoderma; Arrhythmogenic right ventricular dysplasia 8. Last evaluated: 2018-01-23. Review status: criteria provided, single submitter. Criteria: Invitae Variant Classification Sherloc (09022015). Collection method: clinical testing. Allele origin: germline.
Comment: In summary, the available evidence is currently insufficient to determine the role of this variant in disease. Therefore, it has been classified as a Variant of Uncertain Significance. Algorithms developed to predict the effect of missense changes on protein structure and function do not agree on the potential impact of this missense change (SIFT: "Deleterious"; PolyPhen-2: "Benign"; Align-GVGD: "Class C0"). This variant has not been reported in the literature in individuals with DSP-related disease. This variant is not present in population databases (ExAC no frequency). This sequence change replaces valine with methionine at codon 2701 of the DSP protein (p.Val2701Met). The valine residue is moderately conserved and there is a small physicochemical difference between valine and methionine.

NM_004415.4(DSP):c.8101G>A (p.Val2701Met)

Gene: DSP (desmoplakin; plus strand). Cytogenetic location: 6p24.3.
Variant type: single nucleotide variant.
Coding change: c.8101G>A on transcript NM_004415.4 (MANE Select); coding-DNA position 8101, G replaced by A.
Protein change: p.Val2701Met; replaces valine 2701 with methionine.
Molecular consequence: missense variant.
Genome position (GRCh38, 1-based): chr6:7,585,363, G>A. VCF-style: chr6-7585363-G-A. GRCh37 (hg19) VCF-style: chr6-7585596-G-A.
Other names: c.8101G>A (LRG_423t1); c.6304G>A, p.Val2102Met (NM_001008844.3); c.6772G>A, p.Val2258Met (NM_001319034.2); short protein forms V2701M, V2102M, V2258M.
Identifiers: ClinVar variation 574383 (VCV000574383.11), dbSNP rs1561704928, ClinGen allele CA362694438.
Genomic context (GRCh38, chr6:7,585,363, plus strand): 5'-GACCAAGACATGGCCACCAGGCTGAAGCCTGCTCAGAAAGCCTTCATAGGCTTCGAGGGT[G>A]TGAAGGGAAAGAAGAAGATGTCAGCAGCAGAGGCAGTGAAAGAAAAATGGCTCCCGTATG-3'
Protein context (NP_004406.2, residues 2691-2711): AQKAFIGFEG[Val2701Met]KGKKKMSAAE